The following is an entry in ClinVar:

NM_004393.6(DAG1):c.827G>T (p.Gly276Val)

Gene: DAG1 (dystroglycan 1; plus strand). Cytogenetic location: 3p21.31.
Variant type: single nucleotide variant.
Coding change: c.827G>T on transcript NM_004393.6 (MANE Select); coding-DNA position 827, G replaced by T.
Protein change: p.Gly276Val; replaces glycine 276 with valine.
Molecular consequence: missense variant.
Genome position (GRCh38, 1-based): chr3:49,531,338, G>T. VCF-style: chr3-49531338-G-T. GRCh37 (hg19) VCF-style: chr3-49568771-G-T.
Other names: c.827G>T, p.Gly276Val (NM_001165928.4, NM_001177634.3, NM_001177635.3 and 9 more transcripts); short protein forms G276V.
Identifiers: ClinVar variation 1978616 (VCV001978616.4), dbSNP rs1261553141, ClinGen allele CA352794173.

ClinVar aggregate classification (germline): Uncertain significance (1 of 4 stars; one submission).

Conditions:
Muscular dystrophy-dystroglycanopathy (congenital with brain and eye anomalies), type A9. Also called: WALKER-WARBURG SYNDROME OR MUSCLE-EYE BRAIN DISEASE, DAG1-RELATED; Muscular dystrophy-dystroglycanopathy (congenital with brain and eye anomalies), type a, 9. Identifiers: Orphanet 370997, Orphanet 899, MedGen C4225291, MONDO:0014683, OMIM 616538.
Autosomal recessive limb-girdle muscular dystrophy type 2P. Also called: MUSCULAR DYSTROPHY, LIMB-GIRDLE, TYPE 2P; Limb-Girdle Muscular Dystrophy Type 9C; MUSCULAR DYSTROPHY-DYSTROGLYCANOPATHY, LIMB-GIRDLE, DAG1-RELATED. Identifiers: Orphanet 280333, MedGen C4511963, MONDO:0013440, OMIM 613818.

Allele frequency attached by ClinVar (database versions not stated): gnomAD 0.00001.
gnomAD v4.1: 6 of 1,614,060 alleles (0.00037%); highest among the groups gnomAD compares: Middle Eastern, 0.016%; no homozygotes.

Submission:

Labcorp Genetics (formerly Invitae), Labcorp
Classification: Uncertain significance for Autosomal recessive limb-girdle muscular dystrophy type 2P; Muscular dystrophy-dystroglycanopathy (congenital with brain and eye anomalies), type A9. Last evaluated: 2023-04-24. Review status: criteria provided, single submitter. Criteria: Invitae Variant Classification Sherloc (09022015). Collection method: clinical testing. Allele origin: germline.
Comment: ClinVar contains an entry for this variant (Variation ID: 1978616). This sequence change replaces glycine, which is neutral and non-polar, with valine, which is neutral and non-polar, at codon 276 of the DAG1 protein (p.Gly276Val). This variant is present in population databases (no rsID available, gnomAD 0.01%). This variant has not been reported in the literature in individuals affected with DAG1-related conditions. Advanced modeling of protein sequence and biophysical properties (such as structural, functional, and spatial information, amino acid conservation, physicochemical variation, residue mobility, and thermodynamic stability) performed at Invitae indicates that this missense variant is not expected to disrupt DAG1 protein function. In summary, the available evidence is currently insufficient to determine the role of this variant in disease. Therefore, it has been classified as a Variant of Uncertain Significance.